The following is an entry in ClinVar:

ClinVar aggregate classification (germline): Conflicting classifications of pathogenicity. Review status: criteria provided, conflicting classifications (1 of 4 stars). 2 submissions from 2 submitters: Likely pathogenic (1); Uncertain significance (1). Last evaluated 2023-11-15.

Conditions:
Dilated cardiomyopathy 1G (CMD1G). Identifiers: Orphanet 154, MedGen C1858763, MONDO:0011400, OMIM 604145.
Autosomal recessive limb-girdle muscular dystrophy type 2J (LGMDR10). Also called: Limb-girdle muscular dystrophy, type 2J; MUSCULAR DYSTROPHY, LIMB-GIRDLE, AUTOSOMAL RECESSIVE 10. Identifiers: Orphanet 140922, MedGen C1837342, MONDO:0012127, OMIM 608807.

Submissions (2):

Labcorp Genetics (formerly Invitae), Labcorp
Classification: Likely pathogenic for Dilated cardiomyopathy 1G; Autosomal recessive limb-girdle muscular dystrophy type 2J. Last evaluated: 2023-11-15. Review status: criteria provided, single submitter. Criteria: Invitae Variant Classification Sherloc (09022015). Collection method: clinical testing. Allele origin: germline.
Comment: This sequence change affects an acceptor splice site in intron 147 of the TTN gene. It is expected to disrupt RNA splicing and likely results in a truncated or disrupted TTN protein. This variant is not present in population databases (gnomAD no frequency). This variant has not been reported in the literature in individuals affected with TTN-related conditions. Algorithms developed to predict the effect of sequence changes on RNA splicing suggest that this variant may disrupt the consensus splice site. This variant is located in the I band of TTN (PMID: 25589632). Truncating variants in this region have been reported in individuals affected with autosomal recessive centronuclear myopathy (PMID: 23975875). Truncating variants in this region have also been identified in individuals affected with autosomal dominant dilated cardiomyopathy and/or cardio-related conditions (PMID: 27869827, 32964742). In summary, the currently available evidence indicates that the variant is pathogenic, but additional data are needed to prove that conclusively. Therefore, this variant has been classified as Likely Pathogenic.

Blueprint Genetics
Classification: Uncertain significance. Last evaluated: 2022-10-05. Review status: criteria provided, single submitter. Criteria: ACMG Guidelines, 2015. Collection method: clinical testing. Allele origin: germline.

Literature cited by the submitters: PubMed 25589632 (cited by Labcorp Genetics (formerly Invitae), Labcorp); PubMed 23975875 (cited by Labcorp Genetics (formerly Invitae), Labcorp); PubMed 27869827 (cited by Labcorp Genetics (formerly Invitae), Labcorp); PubMed 32964742 (cited by Labcorp Genetics (formerly Invitae), Labcorp).

NM_001267550.2(TTN):c.34379-1G>C

Gene: TTN (titin; minus strand). Cytogenetic location: 2q31.2.
Variant type: single nucleotide variant.
Coding change: c.34379-1G>C on transcript NM_001267550.2 (MANE Select); the canonical splice acceptor site of the intron before coding-DNA position 34379, G replaced by C.
Molecular consequence: splice acceptor variant. On other transcripts: intron variant (3).
Genome position (GRCh38, 1-based): chr2:178,675,996, C>G on the plus strand (G>C on the coding strand, the complement: TTN is on the minus strand). VCF-style: chr2-178675996-C-G. GRCh37 (hg19) VCF-style: chr2-179540723-C-G.
Other names: c.13283-33679G>C (NM_003319.4); c.13859-33679G>C (NM_133437.4); c.13658-33679G>C (NM_133432.3); c.30560-1G>C (NM_133378.4); c.33341-1G>C (NM_001256850.1).
Identifiers: ClinVar variation 2949907 (VCV002949907.4), dbSNP rs2473683178, ClinGen allele CA349526619.